The following is an entry in ClinVar:

NM_001283009.2(RTEL1):c.3523G>A (p.Gly1175Arg)

Genes: RTEL1-TNFRSF6B (RTEL1-TNFRSF6B readthrough (NMD candidate); plus strand), RTEL1 (regulator of telomere elongation helicase 1; plus strand). Cytogenetic location: 20q13.33.
Variant type: single nucleotide variant.
Coding change: c.3523G>A on transcript NM_001283009.2 (MANE Select); coding-DNA position 3523, G replaced by A.
Protein change: p.Gly1175Arg; replaces glycine 1175 with arginine.
Molecular consequence: missense variant. On other transcripts: non-coding transcript variant (1).
Genome position (GRCh38, 1-based): chr20:63,695,351, G>A. VCF-style: chr20-63695351-G-A. GRCh37 (hg19) VCF-style: chr20-62326704-G-A.
Other names: c.2854G>A, p.Gly952Arg (NM_001283010.1); c.3523G>A, p.Gly1175Arg (NM_016434.4); c.3595G>A, p.Gly1199Arg (NM_032957.5); short protein forms G1199R, G1175R, G952R.
Identifiers: ClinVar variation 971320 (VCV000971320.8), dbSNP rs769538947, ClinGen allele CA9966106.

ClinVar aggregate classification (germline): Uncertain significance. Review status: criteria provided, multiple submitters, no conflicts (2 of 4 stars). 3 submissions from 3 submitters: Uncertain significance (2). 1 of the submissions does not count toward it. Last evaluated 2025-12-16.

Conditions:
Pulmonary fibrosis and/or bone marrow failure, Telomere-related, 3. Also called: PULMONARY FIBROSIS AND/OR BONE MARROW FAILURE SYNDROME, TELOMERE-RELATED, 3. Identifiers: Orphanet 2032, MedGen C4225346, MONDO:0014613, OMIM 616373.
Dyskeratosis congenita, autosomal recessive 5 (DKCB5). Identifiers: MedGen C3554656, MONDO:0014076, OMIM 615190.
Dyskeratosis congenita. Identifiers: Orphanet 1775, MedGen C0265965, MONDO:0015780.

Allele frequency attached by ClinVar (database versions not stated): gnomAD 0.00001; ExAC 0.00004; gnomAD exomes 0.00005; TOPMed 0.00005.
gnomAD v4.1: 59 of 1,550,830 alleles (0.0038%); highest among the groups gnomAD compares: Non-Finnish European, 0.0044%; 1 homozygote.

Submissions (3):

Labcorp Genetics (formerly Invitae), Labcorp
Classification: Uncertain significance for Dyskeratosis congenita, autosomal recessive 5; Pulmonary fibrosis and/or bone marrow failure, Telomere-related, 3. Last evaluated: 2025-12-16. Review status: criteria provided, single submitter. Criteria: Invitae Variant Classification Sherloc (09022015). Collection method: clinical testing. Allele origin: germline.
Comment: This sequence change replaces glycine, which is neutral and non-polar, with arginine, which is basic and polar, at codon 1175 of the RTEL1 protein (p.Gly1175Arg). This variant is present in population databases (rs769538947, gnomAD 0.009%). This variant has not been reported in the literature in individuals affected with RTEL1-related conditions. ClinVar contains an entry for this variant (Variation ID: 971320). An algorithm developed to predict the effect of missense changes on protein structure and function outputs the following: PolyPhen-2: "Benign". The arginine amino acid residue is found in multiple mammalian species, which suggests that this missense change does not adversely affect protein function. In summary, the available evidence is currently insufficient to determine the role of this variant in disease. Therefore, it has been classified as a Variant of Uncertain Significance.

GeneDx
Classification: Uncertain significance. Last evaluated: 2019-04-11. Review status: criteria provided, single submitter. Criteria: GeneDx Variant Classification Process June 2021. Collection method: clinical testing. Allele origin: germline. Affected: yes.
Comment: Has not been previously published as pathogenic or benign to our knowledge; This variant is associated with the following publications: (PMID: 28495916)

Natera, Inc.
Classification: Uncertain significance for Dyskeratosis congenita. Last evaluated: 2020-02-02. Review status: no assertion criteria provided. Collection method: clinical testing. Allele origin: germline. Not counted in ClinVar's aggregate classification.